The following is an entry in ClinVar:

ClinVar aggregate classification (germline): Conflicting classifications of pathogenicity. Review status: criteria provided, conflicting classifications (1 of 4 stars). 7 submissions from 7 submitters: Uncertain significance (2); Likely benign (3). 2 of the submissions do not count toward it. Last evaluated 2026-02-04.

Conditions:
BSND-related disorder. Also called: BSND-related condition.
Bartter syndrome. Identifiers: Orphanet 112, MedGen C0004775, MONDO:0015231.
Bartter disease type 4A. Also called: BARTTER SYNDROME, NEONATAL, WITH SENSORINEURAL DEAFNESS; BARTTER SYNDROME, TYPE 4A, NEONATAL, WITH SENSORINEURAL DEAFNESS. Identifiers: Orphanet 112, MedGen C1865270, MONDO:0011242, OMIM 602522.

Allele frequency attached by ClinVar (database versions not stated): gnomAD exomes 0.00005 and 0.00029; gnomAD 0.00013 and 0.00014; TOPMed 0.00014; ExAC 0.00024; 1000 Genomes Project 30x 0.00031; 1000 Genomes Project 0.00040.

Submissions (7):

Labcorp Genetics (formerly Invitae), Labcorp
Classification: Likely benign. Last evaluated: 2026-02-04. Review status: criteria provided, single submitter. Criteria: Invitae Variant Classification Sherloc (09022015). Collection method: clinical testing. Allele origin: germline.

Women's Health and Genetics/Laboratory Corporation of America, LabCorp
Classification: Likely benign. Last evaluated: 2025-12-30. Review status: criteria provided, single submitter. Criteria: LabCorp Variant Classification Summary - May 2015. Collection method: clinical testing. Allele origin: germline.
Comment: Variant summary: BSND c.16A>G (p.Thr6Ala) results in a non-conservative amino acid change in the encoded protein sequence. Algorithms developed to predict the effect of missense changes on protein structure and function all suggest that this variant is likely to be disruptive. The variant allele was found at a frequency of 0.00029 in 251370 control chromosomes, predominantly at a frequency of 0.0039 within the East Asian subpopulation in the gnomAD database. The observed variant frequency within East Asian control individuals in the gnomAD database exceeds the estimated maximal expected allele frequency for disease-causing variants in BSND. c.16A>G has been observed with a variant in another gene in an individual affected with hearing loss (Liu_2022). These report(s) do not provide unequivocal conclusions about association of the variant with Bartter Syndrome, Type 4a. To our knowledge, no experimental evidence demonstrating an impact on protein function has been reported. The following publication have been ascertained in the context of this evaluation (PMID: 35114279). ClinVar contains an entry for this variant (Variation ID: 290808). Based on the evidence outlined above, the variant was classified as likely benign.

GeneDx
Classification: Likely benign. Last evaluated: 2021-01-07. Review status: criteria provided, single submitter. Criteria: GeneDx Variant Classification Process June 2021. Collection method: clinical testing. Allele origin: germline. Affected: yes.

Illumina Laboratory Services, Illumina
Classification: Uncertain significance for Bartter disease type 4A. Last evaluated: 2018-01-12. Review status: criteria provided, single submitter. Criteria: ICSL Variant Classification Criteria 13 December 2019. Collection method: clinical testing. Allele origin: germline.

Eurofins Ntd Llc (ga)
Classification: Uncertain significance. Last evaluated: 2016-08-26. Review status: criteria provided, single submitter. Criteria: EGL Classification Definitions 2015. Collection method: clinical testing. Allele origin: germline. Observed: 1 variant allele, 1 heterozygote.

PreventionGenetics, part of Exact Sciences
Classification: Likely benign for BSND-related condition. Last evaluated: 2023-05-03. Review status: no assertion criteria provided. Collection method: clinical testing. Allele origin: germline. Not counted in ClinVar's aggregate classification.
Comment: This variant is classified as likely benign based on ACMG/AMP sequence variant interpretation guidelines (Richards et al. 2015 PMID: 25741868, with internal and published modifications).

Natera, Inc.
Classification: Likely benign for Bartter syndrome. Last evaluated: 2020-01-17. Review status: no assertion criteria provided. Collection method: clinical testing. Allele origin: germline. Not counted in ClinVar's aggregate classification.

Literature cited by the submitters: PubMed 35114279 (cited by Women's Health and Genetics/Laboratory Corporation of America, LabCorp).

NM_057176.3(BSND):c.16A>G (p.Thr6Ala)

Gene: BSND (barttin CLCNK type accessory subunit beta; plus strand). Cytogenetic location: 1p32.3.
Variant type: single nucleotide variant.
Coding change: c.16A>G on transcript NM_057176.3 (MANE Select); coding-DNA position 16, A replaced by G.
Protein change: p.Thr6Ala; replaces threonine 6 with alanine.
Molecular consequence: missense variant.
Genome position (GRCh38, 1-based): chr1:54,999,202, A>G. VCF-style: chr1-54999202-A-G. GRCh37 (hg19) VCF-style: chr1-55464875-A-G.
Other names: short protein forms T6A.
Identifiers: ClinVar variation 290808 (VCV000290808.25), dbSNP rs201342416, ClinGen allele CA871190.